The following is an entry in ClinVar:

ClinVar aggregate classification (germline): Uncertain significance (1 of 4 stars; one submission).

Conditions:
Hereditary cancer-predisposing syndrome. Also called: Tumor predisposition; Neoplastic Syndromes, Hereditary; Hereditary Cancer Syndrome; Hereditary neoplastic syndrome. Identifiers: Orphanet 140162, MedGen C0027672, MeSH D009386, MONDO:0015356.

Submission:

Ambry Genetics
Classification: Uncertain significance for Hereditary cancer-predisposing syndrome. Last evaluated: 2022-06-12. Review status: criteria provided, single submitter. Criteria: Ambry Variant Classification Scheme 2023. Collection method: clinical testing. Allele origin: germline.
Comment: The p.K1040R variant (also known as c.3119A>G), located in coding exon 22 of the MSH3 gene, results from an A to G substitution at nucleotide position 3119. The lysine at codon 1040 is replaced by arginine, an amino acid with highly similar properties. This amino acid position is conserved. In addition, this alteration is predicted to be tolerated by in silico analysis. Since supporting evidence is limited at this time, the clinical significance of this alteration remains unclear.

NM_002439.5(MSH3):c.3119A>G (p.Lys1040Arg)

Gene: MSH3 (mutS homolog 3; plus strand). Cytogenetic location: 5q14.1.
Variant type: single nucleotide variant.
Coding change: c.3119A>G on transcript NM_002439.5 (MANE Select); coding-DNA position 3119, A replaced by G.
Protein change: p.Lys1040Arg; replaces lysine 1040 with arginine.
Molecular consequence: missense variant.
Genome position (GRCh38, 1-based): chr5:80,864,931, A>G. VCF-style: chr5-80864931-A-G. GRCh37 (hg19) VCF-style: chr5-80160750-A-G.
Other names: short protein forms K1040R.
Identifiers: ClinVar variation 1727826 (VCV001727826.2), dbSNP rs2478789411, ClinGen allele CA360346482.